The following is an entry in ClinVar:

NM_000307.5(POU3F4):c.647G>A (p.Gly216Glu)

Gene: POU3F4 (POU class 3 homeobox 4; plus strand). Cytogenetic location: Xq21.1.
Variant type: single nucleotide variant.
Coding change: c.647G>A on transcript NM_000307.5 (MANE Select); coding-DNA position 647, G replaced by A.
Protein change: p.Gly216Glu; replaces glycine 216 with glutamic acid.
Molecular consequence: missense variant.
Genome position (GRCh38, 1-based): chrX:83,508,971, G>A. VCF-style: chrX-83508971-G-A. GRCh37 (hg19) VCF-style: chrX-82763979-G-A.
Other names: short protein forms G216E.
Identifiers: ClinVar variation 422492 (VCV000422492.2), dbSNP rs866754647, ClinGen allele CA16621515.

ClinVar aggregate classification (germline): Likely pathogenic (1 of 4 stars; one submission).

Submission:

GeneDx
Classification: Likely pathogenic. Last evaluated: 2016-10-13. Review status: criteria provided, single submitter. Criteria: GeneDx Variant Classification (06012015). Collection method: clinical testing. Allele origin: germline. Affected: yes.
Comment: The G216E variant in the POU3F4 gene has been reported previously in multiple individuals with X-linked hearing loss in a Chinese family (Li et al., 2010). The G216E variant was not observed in approximately 6,500 individuals of European and African American ancestry in the NHLBI Exome Sequencing Project, indicating it is not a common benign variant in these populations. The G216E variant is a non-conservative amino acid substitution, which is likely to impact secondary protein structure as these residues differ in polarity, charge, size and/or other properties. This substitution occurs at a position in the POU-specific domain which is important for protein-DNA interaction and is conserved across species (Li et al., 2010). In silico analysis predicts this variant is probably damaging to the protein structure/function. However, the possibility it may be a rare benign variant cannot be excluded.